The following is an entry in ClinVar:

NM_002693.3(POLG):c.2658T>C (p.Leu886=)

Gene: POLG (DNA polymerase gamma, catalytic subunit; minus strand). Cytogenetic location: 15q26.1.
Variant type: single nucleotide variant.
Coding change: c.2658T>C on transcript NM_002693.3 (MANE Select); coding-DNA position 2658, T replaced by C.
Protein change: p.Leu886=; no amino-acid change (leucine 886 retained).
Molecular consequence: synonymous variant.
Genome position (GRCh38, 1-based): chr15:89,321,201, A>G on the plus strand (T>C on the coding strand, the complement: POLG is on the minus strand). VCF-style: chr15-89321201-A-G. GRCh37 (hg19) VCF-style: chr15-89864432-A-G.
Other names: c.2658T>C, p.Leu886= (NM_001126131.2).
Identifiers: ClinVar variation 2783042 (VCV002783042.25), dbSNP rs1193104017, ClinGen allele CA492289472.

ClinVar aggregate classification (germline): Likely benign. Review status: criteria provided, multiple submitters, no conflicts (2 of 4 stars). 2 submissions from 2 submitters: Likely benign (2). Last evaluated 2024-01-01.

Conditions:
Progressive sclerosing poliodystrophy (MTDPS4A). Also called: ALPERS PROGRESSIVE INFANTILE POLIODYSTROPHY; Alpers-Huttenlocher Syndrome (AHS); Mitochondrial DNA Depletion Syndrome 4A; NEURONAL DEGENERATION OF CHILDHOOD WITH LIVER DISEASE, PROGRESSIVE; Alpers Syndrome; Mitochondrial DNA depletion syndrome 4A (Alpers type). Identifiers: Orphanet 726, MedGen C0205710, MONDO:0008758, OMIM 203700.

Allele frequency attached by ClinVar (database versions not stated): gnomAD exomes below 0.00001; gnomAD 0.00001.
gnomAD v4.1: 3 of 1,614,010 alleles (0.00019%); highest among the groups gnomAD compares: African/African-American, 0.0013%; no homozygotes.

Submissions (2):

CeGaT Center for Human Genetics Tuebingen
Classification: Likely benign. Last evaluated: 2024-01-01. Review status: criteria provided, single submitter. Criteria: CeGaT Center For Human Genetics Tuebingen Variant Classification Criteria Version 2. Collection method: clinical testing. Allele origin: germline. Affected: yes. Observed: 1 variant allele.
Comment: POLG: BP4, BP7

Labcorp Genetics (formerly Invitae), Labcorp
Classification: Likely benign for Progressive sclerosing poliodystrophy. Last evaluated: 2023-06-04. Review status: criteria provided, single submitter. Criteria: Invitae Variant Classification Sherloc (09022015). Collection method: clinical testing. Allele origin: germline.